The following is an entry in ClinVar:

ClinVar aggregate classification (germline): Likely benign. Review status: criteria provided, multiple submitters, no conflicts (2 of 4 stars). 2 submissions from 2 submitters: Likely benign (2). Last evaluated 2025-05-24.

Conditions:
Familial thoracic aortic aneurysm and aortic dissection (TAAD). Also called: Thoracic aortic aneurysms and dissections. Identifiers: Orphanet 91387, MedGen C4707243, MONDO:0019625.

Allele frequency attached by ClinVar (database versions not stated): TOPMed below 0.00001; gnomAD 0.00001; ESP Exome Variant Server 0.00008.
gnomAD v4.1: 1 of 1,613,916 alleles (0.000062%); highest among the groups gnomAD compares: African/African-American, 0.0013%; no homozygotes.

Submissions (2):

Ambry Genetics
Classification: Likely benign for Familial thoracic aortic aneurysm and aortic dissection. Last evaluated: 2025-05-24. Review status: criteria provided, single submitter. Criteria: Ambry Variant Classification Scheme 2023. Collection method: clinical testing. Allele origin: germline.

All of Us Research Program, National Institutes of Health
Classification: Likely benign for Familial thoracic aortic aneurysm and aortic dissection. Last evaluated: 2023-03-23. Review status: criteria provided, single submitter. Criteria: ACMG Guidelines, 2015. Collection method: clinical testing. Allele origin: germline. Inheritance: Autosomal dominant inheritance. Observed: 1 variant allele, 1 heterozygote.
Comment: This study involves interpretation of variants in research participants for the purpose of population health screening. Participant phenotype was not available at the time of variant classification. Additional details can be found in publication PMID: 35346344, PMCID: PMC8962531

NM_002474.3(MYH11):c.3876C>A (p.Val1292=)

Genes: MYH11 (myosin heavy chain 11; minus strand), NDE1 (nudE neurodevelopment protein 1; plus strand). Cytogenetic location: 16p13.11.
Variant type: single nucleotide variant.
Coding change: c.3876C>A on transcript NM_002474.3 (MANE Select); coding-DNA position 3876, C replaced by A.
Protein change: p.Val1292=; no amino-acid change (valine 1292 retained).
Molecular consequence: synonymous variant. On other transcripts: 3 prime UTR variant (2).
Genome position (GRCh38, 1-based): chr16:15,724,975, G>T on the plus strand (C>A on the coding strand, the complement: MYH11 is on the minus strand). VCF-style: chr16-15724975-G-T. GRCh37 (hg19) VCF-style: chr16-15818832-G-T.
Other names: c.3897C>A, p.Val1299= (NM_001040113.2, NM_001040114.2); c.3876C>A, p.Val1292= (NM_022844.3); c.*724G>T (NM_001143979.2, NM_017668.3); c.3876C>A (NM_002474.2).
Identifiers: ClinVar variation 3069895 (VCV003069895.2), dbSNP rs142886425, ClinGen allele CA278606978.